The following is an entry in ClinVar:

NM_004974.4(KCNA2):c.551C>T (p.Thr184Ile)

Gene: KCNA2 (potassium voltage-gated channel subfamily A member 2; minus strand). Cytogenetic location: 1p13.3.
Variant type: single nucleotide variant.
Coding change: c.551C>T on transcript NM_004974.4 (MANE Select); coding-DNA position 551, C replaced by T.
Protein change: p.Thr184Ile; replaces threonine 184 with isoleucine.
Molecular consequence: missense variant.
Genome position (GRCh38, 1-based): chr1:110,604,232, G>A on the plus strand (C>T on the coding strand, the complement: KCNA2 is on the minus strand). VCF-style: chr1-110604232-G-A. GRCh37 (hg19) VCF-style: chr1-111146854-G-A.
Other names: c.551C>T, p.Thr184Ile (NM_001204269.2); c.551C>T (NM_004974.3); short protein forms T184I.
Identifiers: ClinVar variation 3068477 (VCV003068477.3), dbSNP rs2524620699, ClinGen allele CA341603742.

ClinVar aggregate classification (germline): Uncertain significance. Review status: criteria provided, multiple submitters, no conflicts (2 of 4 stars). 2 submissions from 2 submitters: Uncertain significance (2). Last evaluated 2025-04-30.

Conditions:
Developmental and epileptic encephalopathy, 32 (DEE32). Also called: Epileptic encephalopathy, early infantile, 32. Identifiers: Orphanet 442835, MedGen C4225350, MONDO:0014607, OMIM 616366.

Submissions (2):

GeneDx
Classification: Uncertain significance. Last evaluated: 2025-04-30. Review status: criteria provided, single submitter. Criteria: GeneDx Variant Classification Process June 2021. Collection method: clinical testing. Allele origin: germline. Affected: yes.
Comment: Not observed at significant frequency in large population cohorts (gnomAD); In silico analysis supports that this missense variant has a deleterious effect on protein structure/function; Has not been previously published as pathogenic or benign to our knowledge

Institute of Human Genetics, University of Leipzig Medical Center
Classification: Uncertain significance for Developmental and epileptic encephalopathy, 32. Last evaluated: 2024-03-18. Review status: criteria provided, single submitter. Criteria: ACMG Guidelines, 2015. Collection method: clinical testing. Allele origin: unknown. Inheritance: Autosomal dominant inheritance. Affected: yes.
Comment: Criteria applied: PM2_SUP,PP2,PP3